The following is an entry in ClinVar:

ClinVar aggregate classification (germline): Uncertain significance. Review status: criteria provided, multiple submitters, no conflicts (2 of 4 stars). 3 submissions from 3 submitters: Uncertain significance (3). Last evaluated 2025-01-12.

Conditions:
Multiple endocrine neoplasia, type 2 (MEN2). Identifiers: Orphanet 653, MedGen C4048306, MONDO:0019003. Disease mechanism: gain of function.
Hereditary cancer-predisposing syndrome. Also called: Neoplastic Syndromes, Hereditary; Hereditary Cancer Syndrome; Tumor predisposition; Hereditary neoplastic syndrome. Identifiers: Orphanet 140162, MedGen C0027672, MeSH D009386, MONDO:0015356.

Allele frequency attached by ClinVar (database versions not stated): gnomAD 0.00001; TOPMed 0.00001.
gnomAD v4.1: 2 of 1,613,820 alleles (0.00012%); highest among the groups gnomAD compares: African/African-American, 0.0013%; no homozygotes.

Submissions (3):

Labcorp Genetics (formerly Invitae), Labcorp
Classification: Uncertain significance for Multiple endocrine neoplasia, type 2. Last evaluated: 2025-01-12. Review status: criteria provided, single submitter. Criteria: Invitae Variant Classification Sherloc (09022015). Collection method: clinical testing. Allele origin: germline.
Comment: This sequence change replaces glycine, which is neutral and non-polar, with glutamic acid, which is acidic and polar, at codon 385 of the RET protein (p.Gly385Glu). This variant is not present in population databases (gnomAD no frequency). This variant has not been reported in the literature in individuals affected with RET-related conditions. ClinVar contains an entry for this variant (Variation ID: 2073024). An algorithm developed to predict the effect of missense changes on protein structure and function (PolyPhen-2) suggests that this variant is likely to be tolerated. In summary, the available evidence is currently insufficient to determine the role of this variant in disease. Therefore, it has been classified as a Variant of Uncertain Significance.

Ambry Genetics
Classification: Uncertain significance for Hereditary cancer-predisposing syndrome. Last evaluated: 2024-07-19. Review status: criteria provided, single submitter. Criteria: Ambry Variant Classification Scheme 2023. Collection method: clinical testing. Allele origin: germline.
Comment: The p.G385E variant (also known as c.1154G>A), located in coding exon 6 of the RET gene, results from a G to A substitution at nucleotide position 1154. The glycine at codon 385 is replaced by glutamic acid, an amino acid with similar properties. This amino acid position is highly conserved in available vertebrate species. In addition, the in silico prediction for this alteration is inconclusive. Based on the available evidence, the clinical significance of this variant remains unclear.

GeneDx
Classification: Uncertain significance. Last evaluated: 2024-04-10. Review status: criteria provided, single submitter. Criteria: GeneDx Variant Classification Process June 2021. Collection method: clinical testing. Allele origin: germline. Affected: yes.
Comment: Not observed at significant frequency in large population cohorts (gnomAD); In silico analysis indicates that this missense variant does not alter protein structure/function; Has not been previously published as pathogenic or benign to our knowledge; This variant is associated with the following publications: (PMID: 14633923)

NM_020975.6(RET):c.1154G>A (p.Gly385Glu)

Gene: RET (ret proto-oncogene; plus strand). Cytogenetic location: 10q11.21.
Variant type: single nucleotide variant.
Coding change: c.1154G>A on transcript NM_020975.6 (MANE Select); coding-DNA position 1154, G replaced by A.
Protein change: p.Gly385Glu; replaces glycine 385 with glutamic acid.
Molecular consequence: missense variant.
Genome position (GRCh38, 1-based): chr10:43,109,121, G>A. VCF-style: chr10-43109121-G-A. GRCh37 (hg19) VCF-style: chr10-43604569-G-A.
Other names: c.1154G>A, p.Gly385Glu (NM_000323.2, NM_001406743.1, NM_001406744.1 and 6 more transcripts); c.392G>A, p.Gly131Glu (NM_001355216.2); c.1025G>A, p.Gly342Glu (NM_001406761.1, NM_001406762.1, NM_001406764.1 and 1 more transcripts); c.866G>A, p.Gly289Glu (NM_001406766.1, NM_001406767.1, NM_001406770.1); c.716G>A, p.Gly239Glu (NM_001406771.1, NM_001406773.1); c.428G>A, p.Gly143Glu (NM_001406775.1, NM_001406776.1, NM_001406777.1 and 1 more transcripts); c.164G>A, p.Gly55Glu (NM_001406784.1); short protein forms G131E, G385E, G143E, G289E, G342E, G55E, G239E.
Identifiers: ClinVar variation 2073024 (VCV002073024.6), dbSNP rs906695652, ClinGen allele CA206258864.